The following is an entry in ClinVar:

ClinVar aggregate classification (germline): Benign/Likely benign. Review status: criteria provided, multiple submitters, no conflicts (2 of 4 stars). 10 submissions from 9 submitters: Benign (1); Likely benign (9). Last evaluated 2026-02-01.

Conditions:
Adams-Oliver syndrome 5 (AOS5). Identifiers: Orphanet 974, MedGen C4014970, MONDO:0014459, OMIM 616028.
Familial thoracic aortic aneurysm and aortic dissection (TAAD). Also called: Thoracic aortic aneurysms and dissections. Identifiers: Orphanet 91387, MedGen C4707243, MONDO:0019625.
Aortic valve disease 1 (AOVD1). Identifiers: MedGen C3887892, MONDO:0024523, OMIM 109730.

Allele frequency attached by ClinVar (database versions not stated): gnomAD 0.00011 and 0.00012; TOPMed 0.00012.
gnomAD v4.1: 169 of 1,599,032 alleles (0.011%); highest among the groups gnomAD compares: Middle Eastern, 0.018%; no homozygotes.

Submissions (10):

Labcorp Genetics (formerly Invitae), Labcorp
Classification: Likely benign for Adams-Oliver syndrome 5. Last evaluated: 2026-02-01. Review status: criteria provided, single submitter. Criteria: Invitae Variant Classification Sherloc (09022015). Collection method: clinical testing. Allele origin: germline.

Mayo Clinic Laboratories, Mayo Clinic
Classification: Likely benign. Last evaluated: 2025-08-05. Review status: criteria provided, single submitter. Criteria: ACMG Guidelines, 2015. Collection method: clinical testing. Allele origin: germline. Observed: 1 variant allele.
Comment: BP4, BP7

Laboratory of Genetics, Children's Clinical University Hospital Latvia
Classification: Likely benign. Last evaluated: 2025-02-16. Review status: criteria provided, single submitter. Criteria: ACMG Guidelines, 2015. Collection method: clinical testing. Allele origin: germline. Affected: yes.

Blueprint Genetics
Classification: Likely benign. Last evaluated: 2024-10-18. Review status: criteria provided, single submitter. Criteria: ACMG Guidelines, 2015. Collection method: clinical testing. Allele origin: germline.

Women's Health and Genetics/Laboratory Corporation of America, LabCorp
Classification: Benign. Last evaluated: 2023-08-24. Review status: criteria provided, single submitter. Criteria: LabCorp Variant Classification Summary - May 2015. Collection method: clinical testing. Allele origin: germline.

Genome-Nilou Lab
Classification: Likely benign for Adams-Oliver syndrome 5. Last evaluated: 2022-03-15. Review status: criteria provided, single submitter. Criteria: ACMG Guidelines, 2015. Collection method: clinical testing. Allele origin: germline. Affected: no.

Genome-Nilou Lab
Classification: Likely benign for Aortic valve disease 1. Last evaluated: 2022-03-15. Review status: criteria provided, single submitter. Criteria: ACMG Guidelines, 2015. Collection method: clinical testing. Allele origin: germline. Affected: no.

GeneDx
Classification: Likely benign. Last evaluated: 2019-11-27. Review status: criteria provided, single submitter. Criteria: GeneDx Variant Classification Process June 2021. Collection method: clinical testing. Allele origin: germline. Affected: yes.

CHEO Genetics Diagnostic Laboratory, Children's Hospital of Eastern Ontario
Classification: Likely benign for Familial thoracic aortic aneurysm and aortic dissection. Last evaluated: 2018-10-23. Review status: criteria provided, single submitter. Criteria: ACMG Guidelines, 2015. Collection method: clinical testing. Allele origin: germline.

Ambry Genetics
Classification: Likely benign for Familial thoracic aortic aneurysm and aortic dissection. Last evaluated: 2016-02-29. Review status: criteria provided, single submitter. Criteria: Ambry Variant Classification Scheme 2023. Collection method: clinical testing. Allele origin: germline.

NM_017617.5(NOTCH1):c.5676G>A (p.Gly1892=)

Gene: NOTCH1 (notch receptor 1; minus strand). Cytogenetic location: 9q34.3.
Variant type: single nucleotide variant.
Coding change: c.5676G>A on transcript NM_017617.5 (MANE Select); coding-DNA position 5676, G replaced by A.
Protein change: p.Gly1892=; no amino-acid change (glycine 1892 retained).
Molecular consequence: synonymous variant.
Genome position (GRCh38, 1-based): chr9:136,500,810, C>T on the plus strand (G>A on the coding strand, the complement: NOTCH1 is on the minus strand). VCF-style: chr9-136500810-C-T. GRCh37 (hg19) VCF-style: chr9-139395262-C-T.
Other names: p.Gly1892=; c.5676G>A, p.Gly1892= (LRG_1122t1); c.5676G>A (NM_017617.4).
Identifiers: ClinVar variation 241154 (VCV000241154.24), dbSNP rs763584589, ClinGen allele CA5340155.